The following is an entry in ClinVar:

NM_017763.6(RNF43):c.671C>T (p.Pro224Leu)

Gene: RNF43 (ring finger protein 43; minus strand). Cytogenetic location: 17q22.
Variant type: single nucleotide variant.
Coding change: c.671C>T on transcript NM_017763.6 (MANE Select); coding-DNA position 671, C replaced by T.
Protein change: p.Pro224Leu; replaces proline 224 with leucine.
Molecular consequence: missense variant.
Genome position (GRCh38, 1-based): chr17:58,362,560, G>A on the plus strand (C>T on the coding strand, the complement: RNF43 is on the minus strand). VCF-style: chr17-58362560-G-A. GRCh37 (hg19) VCF-style: chr17-56439921-G-A.
Other names: c.671C>T, p.Pro224Leu (NM_001305544.3); c.290C>T, p.Pro97Leu (NM_001305545.2); short protein forms P224L, P97L.
Identifiers: ClinVar variation 3946862 (VCV003946862.1).

ClinVar aggregate classification (germline): Uncertain significance (1 of 4 stars; one submission).

Submission:

Ambry Genetics
Classification: Uncertain significance. Last evaluated: 2025-04-18. Review status: criteria provided, single submitter. Criteria: Ambry Variant Classification Scheme 2023. Collection method: clinical testing. Allele origin: germline.
Comment: The p.P224L variant (also known as c.671C>T), located in coding exon 5 of the RNF43 gene, results from a C to T substitution at nucleotide position 671. The proline at codon 224 is replaced by leucine, an amino acid with similar properties. This amino acid position is conserved. In addition, this alteration is predicted to be tolerated by in silico analysis. Based on the available evidence, the clinical significance of this variant remains unclear.